The following is an entry in ClinVar:

NM_005560.6(LAMA5):c.3547T>C (p.Phe1183Leu)

Gene: LAMA5 (laminin subunit alpha 5; minus strand). Cytogenetic location: 20q13.33.
Variant type: single nucleotide variant.
Coding change: c.3547T>C on transcript NM_005560.6 (MANE Select); coding-DNA position 3547, T replaced by C.
Protein change: p.Phe1183Leu; replaces phenylalanine 1183 with leucine.
Molecular consequence: missense variant.
Genome position (GRCh38, 1-based): chr20:62,332,377, A>G on the plus strand (T>C on the coding strand, the complement: LAMA5 is on the minus strand). VCF-style: chr20-62332377-A-G. GRCh37 (hg19) VCF-style: chr20-60907433-A-G.
Other names: c.3547T>C (NM_005560.3); short protein forms F1183L.
Identifiers: ClinVar variation 3357341 (VCV003357341.2).

ClinVar aggregate classification (germline): Uncertain significance. Review status: criteria provided, single submitter (1 of 4 stars). 2 submissions from 2 submitters: Uncertain significance (1). 1 of the submissions does not count toward it. Last evaluated 2025-02-18.

Conditions:
Inborn genetic diseases. Identifiers: MedGen C0950123, MeSH D030342.
LAMA5-related disorder. Also called: LAMA5-related condition; LAMA5-Related Disorders.

gnomAD v4.1: 2 of 1,610,784 alleles (0.00012%); highest among the groups gnomAD compares: South Asian, 0.0011%; no homozygotes.

Submissions (2):

Ambry Genetics
Classification: Uncertain significance for Inborn genetic diseases. Last evaluated: 2025-02-18. Review status: criteria provided, single submitter. Criteria: Ambry Variant Classification Scheme 2023. Collection method: clinical testing. Allele origin: germline.

PreventionGenetics, part of Exact Sciences
Classification: Uncertain significance for LAMA5-related condition. Last evaluated: 2024-05-21. Review status: no assertion criteria provided. Collection method: clinical testing. Allele origin: germline. Not counted in ClinVar's aggregate classification.
Comment: The LAMA5 c.3547T>C variant is predicted to result in the amino acid substitution p.Phe1183Leu. To our knowledge, this variant has not been reported in the literature or in a large population database, indicating this variant is rare. At this time, the clinical significance of this variant is uncertain due to the absence of conclusive functional and genetic evidence.